The following is an entry in ClinVar:

NM_001282531.3(ADNP):c.347C>G (p.Ala116Gly)

Gene: ADNP (activity dependent neuroprotector homeobox; minus strand). Cytogenetic location: 20q13.13.
Variant type: single nucleotide variant.
Coding change: c.347C>G on transcript NM_001282531.3 (MANE Select); coding-DNA position 347, C replaced by G.
Protein change: p.Ala116Gly; replaces alanine 116 with glycine.
Molecular consequence: missense variant.
Genome position (GRCh38, 1-based): chr20:50,894,367, G>C on the plus strand (C>G on the coding strand, the complement: ADNP is on the minus strand). VCF-style: chr20-50894367-G-C. GRCh37 (hg19) VCF-style: chr20-49510904-G-C.
Other names: c.347C>G, p.Ala116Gly (NM_001282532.2, NM_001347511.2, NM_015339.5 and 1 more transcripts); short protein forms A116G.
Identifiers: ClinVar variation 3907045 (VCV003907045.1).

ClinVar aggregate classification (germline): Uncertain significance (1 of 4 stars; one submission).

gnomAD v4.1: 3 of 1,613,928 alleles (0.00019%); highest among the groups gnomAD compares: African/African-American, 0.0027%; no homozygotes.

Submission:

Women's Health and Genetics/Laboratory Corporation of America, LabCorp
Classification: Uncertain significance. Last evaluated: 2025-06-17. Review status: criteria provided, single submitter. Criteria: LabCorp Variant Classification Summary - May 2015. Collection method: clinical testing. Allele origin: germline.
Comment: Variant summary: ADNP c.347C>G (p.Ala116Gly) results in a non-conservative amino acid change in the encoded protein sequence. Algorithms developed to predict the effect of missense changes on protein structure and function are either unavailable or do not agree on the potential impact of this missense change. The variant was absent in 251322 control chromosomes. The available data on variant occurrences in the general population are insufficient to allow any conclusion about variant significance. To our knowledge, no occurrence of c.347C>G in individuals affected with ADNP-Related Multiple Congenital Anomalies-Intellectual Disability-Autism Spectrum Disorder and no experimental evidence demonstrating its impact on protein function have been reported. No submitters have cited clinical-significance assessments for this variant to ClinVar. Based on the evidence outlined above, the variant was classified as uncertain significance.